The following is an entry in ClinVar:

ClinVar aggregate classification (germline): Uncertain significance (1 of 4 stars; one submission).

Submission:

Ambry Genetics
Classification: Uncertain significance. Last evaluated: 2026-05-14. Review status: criteria provided, single submitter. Criteria: Ambry Variant Classification Scheme 2023. Collection method: clinical testing. Allele origin: germline.
Comment: The p.A239V variant (also known as c.716C>T), located in coding exon 6 of the RAD51B gene, results from a C to T substitution at nucleotide position 716. The alanine at codon 239 is replaced by valine, an amino acid with similar properties. This amino acid position is conserved. In addition, the in silico prediction for this alteration is inconclusive. Based on the available evidence, the clinical significance of this variant remains unclear.

NM_133510.4(RAD51B):c.716C>T (p.Ala239Val)

Gene: RAD51B (RAD51 paralog B; plus strand). Cytogenetic location: 14q24.1.
Variant type: single nucleotide variant.
Coding change: c.716C>T on transcript NM_133510.4 (MANE Select); coding-DNA position 716, C replaced by T.
Protein change: p.Ala239Val; replaces alanine 239 with valine.
Molecular consequence: missense variant.
Genome position (GRCh38, 1-based): chr14:67,887,164, C>T. VCF-style: chr14-67887164-C-T. GRCh37 (hg19) VCF-style: chr14-68353881-C-T.
Other names: c.716C>T, p.Ala239Val (NM_001321809.2, NM_001321810.2, NM_001321812.1 and 6 more transcripts); c.602C>T, p.Ala201Val (NM_001321815.1); c.359C>T, p.Ala120Val (NM_001321817.2); short protein forms A120V, A201V, A239V.
Identifiers: ClinVar variation 4862911 (VCV004862911.1).